The following is an entry in ClinVar:

NM_016203.4(PRKAG2):c.904C>G (p.Arg302Gly)

Gene: PRKAG2 (protein kinase AMP-activated non-catalytic subunit gamma 2; minus strand). Cytogenetic location: 7q36.1.
Variant type: single nucleotide variant.
Coding change: c.904C>G on transcript NM_016203.4 (MANE Select); coding-DNA position 904, C replaced by G.
Protein change: p.Arg302Gly; replaces arginine 302 with glycine.
Molecular consequence: missense variant.
Genome position (GRCh38, 1-based): chr7:151,576,413, G>C on the plus strand (C>G on the coding strand, the complement: PRKAG2 is on the minus strand). VCF-style: chr7-151576413-G-C. GRCh37 (hg19) VCF-style: chr7-151273499-G-C.
Other names: c.772C>G, p.Arg258Gly (NM_001040633.2, NM_001407024.1); c.178C>G, p.Arg60Gly (NM_001407036.1, NM_001407039.1, NM_001407040.1); c.241C>G, p.Arg81Gly (NM_001407037.1); c.229C>G, p.Arg77Gly (NM_001407038.1); c.529C>G, p.Arg177Gly (NM_001304527.2, NM_001407029.1); c.181C>G, p.Arg61Gly (NM_001304531.2, NM_024429.2, NM_001407034.1 and 1 more transcripts); c.532C>G, p.Arg178Gly (NM_001363698.2, NM_001407028.1); c.769C>G, p.Arg257Gly (NM_001407026.1, NM_001407027.1); and 6 more; short protein forms R196G, R205G, R206G, R194G, R258G, R302G, R81G, R177G.
Identifiers: ClinVar variation 3594434 (VCV003594434.2).

ClinVar aggregate classification (germline): Conflicting classifications of pathogenicity. Review status: criteria provided, conflicting classifications (1 of 4 stars). 2 submissions from 2 submitters: Likely pathogenic (1); Uncertain significance (1). Last evaluated 2025-11-27.

Conditions:
Lethal congenital glycogen storage disease of heart. Also called: GLYCOGEN STORAGE DISEASE OF HEART; PHOSPHORYLASE KINASE DEFICIENCY OF HEART. Identifiers: Orphanet 439854, MedGen C1849813, MONDO:0009867, OMIM 261740.
Wolff-Parkinson-White pattern. Also called: WPW SYNDROME; Auriculoventricular accessory pathway syndrome; False bundle branch block syndrome; Anomalous ventricular excitation syndrome. Identifiers: MedGen C0043202, MONDO:0008685, OMIM 194200, HP:0001716.
Hypertrophic cardiomyopathy 6. Identifiers: MedGen C1833236, MONDO:0010946, OMIM 600858.

Submissions (2):

Labcorp Genetics (formerly Invitae), Labcorp
Classification: Uncertain significance for Lethal congenital glycogen storage disease of heart. Last evaluated: 2025-11-27. Review status: criteria provided, single submitter. Criteria: Invitae Variant Classification Sherloc (09022015). Collection method: clinical testing. Allele origin: germline.
Comment: This sequence change replaces arginine, which is basic and polar, with glycine, which is neutral and non-polar, at codon 302 of the PRKAG2 protein (p.Arg302Gly). This variant is not present in population databases (gnomAD no frequency). This missense change has been observed in individual(s) with PRKAG2-related conditions (PMID: 11827995). ClinVar contains an entry for this variant (Variation ID: 3594434). Invitae Evidence Modeling of protein sequence and biophysical properties (such as structural, functional, and spatial information, amino acid conservation, physicochemical variation, residue mobility, and thermodynamic stability) has been performed for this missense variant. However, the output from this modeling did not meet the statistical confidence thresholds required to predict the impact of this variant on PRKAG2 protein function. This variant disrupts the p.Arg302 amino acid residue in PRKAG2. Other variant(s) that disrupt this residue have been determined to be pathogenic (PMID: 14722619, 15611370, 16836667, 25997934). This suggests that this residue is clinically significant, and that variants that disrupt this residue are likely to be disease-causing. In summary, the available evidence is currently insufficient to determine the role of this variant in disease. Therefore, it has been classified as a Variant of Uncertain Significance.

Fulgent Genetics
Classification: Likely pathogenic for Wolff-Parkinson-White pattern; Lethal congenital glycogen storage disease of heart; Hypertrophic cardiomyopathy 6. Last evaluated: 2024-03-07. Review status: criteria provided, single submitter. Criteria: ACMG Guidelines, 2015. Collection method: clinical testing. Allele origin: germline.

Literature cited by the submitters: PubMed 11827995 (cited by Labcorp Genetics (formerly Invitae), Labcorp); PubMed 14722619 (cited by Labcorp Genetics (formerly Invitae), Labcorp); PubMed 15611370 (cited by Labcorp Genetics (formerly Invitae), Labcorp); PubMed 16836667 (cited by Labcorp Genetics (formerly Invitae), Labcorp); PubMed 25997934 (cited by Labcorp Genetics (formerly Invitae), Labcorp).